The following is an entry in ClinVar:

NM_005188.4(CBL):c.1769G>C (p.Trp590Ser)

Gene: CBL (Cbl proto-oncogene; plus strand). Cytogenetic location: 11q23.3.
Variant type: single nucleotide variant.
Coding change: c.1769G>C on transcript NM_005188.4 (MANE Select); coding-DNA position 1769, G replaced by C.
Protein change: p.Trp590Ser; replaces tryptophan 590 with serine.
Molecular consequence: missense variant.
Genome position (GRCh38, 1-based): chr11:119,285,394, G>C. VCF-style: chr11-119285394-G-C. GRCh37 (hg19) VCF-style: chr11-119156104-G-C.
Other names: short protein forms W590S.
Identifiers: ClinVar variation 2108269 (VCV002108269.4), dbSNP rs2135310712, ClinGen allele CA382920174.

ClinVar aggregate classification (germline): Uncertain significance (1 of 4 stars; one submission).

Conditions:
RASopathy. Also called: Noonan spectrum disorder; rasopathies. Identifiers: Orphanet 536391, MedGen C5555857, MONDO:0021060.

Submission:

Labcorp Genetics (formerly Invitae), Labcorp
Classification: Uncertain significance for RASopathy. Last evaluated: 2022-11-01. Review status: criteria provided, single submitter. Criteria: Invitae Variant Classification Sherloc (09022015). Collection method: clinical testing. Allele origin: germline.
Comment: This sequence change replaces tryptophan, which is neutral and slightly polar, with serine, which is neutral and polar, at codon 590 of the CBL protein (p.Trp590Ser). This variant is not present in population databases (gnomAD no frequency). In summary, the available evidence is currently insufficient to determine the role of this variant in disease. Therefore, it has been classified as a Variant of Uncertain Significance. Advanced modeling of protein sequence and biophysical properties (such as structural, functional, and spatial information, amino acid conservation, physicochemical variation, residue mobility, and thermodynamic stability) performed at Invitae indicates that this missense variant is not expected to disrupt CBL protein function. This variant has not been reported in the literature in individuals affected with CBL-related conditions.